The following is an entry in ClinVar:

NM_001170535.3(ATAD3A):c.108G>C (p.Gly36=)

Gene: ATAD3A (ATPase family AAA domain containing 3A; plus strand). Cytogenetic location: 1p36.33.
Variant type: single nucleotide variant.
Coding change: c.108G>C on transcript NM_001170535.3 (MANE Select); coding-DNA position 108, G replaced by C.
Protein change: p.Gly36=; no amino-acid change (glycine 36 retained).
Molecular consequence: synonymous variant.
Genome position (GRCh38, 1-based): chr1:1,512,376, G>C. VCF-style: chr1-1512376-G-C. GRCh37 (hg19) VCF-style: chr1-1447756-G-C.
Other names: c.108G>C, p.Gly36= (NM_018188.5).
Identifiers: ClinVar variation 2688185 (VCV002688185.3), dbSNP rs1240736, ClinGen allele CA525593.

ClinVar aggregate classification (germline): Benign. Review status: criteria provided, multiple submitters, no conflicts (2 of 4 stars). 2 submissions from 2 submitters: Benign (2). Last evaluated 2024-11-26.

Allele frequency attached by ClinVar (database versions not stated): ExAC 0.23707; TOPMed 0.36651; 1000 Genomes Project 0.46226; 1000 Genomes Project 30x 0.47377.
gnomAD v4.1: 198,205 of 1,220,110 alleles (16%); highest among the groups gnomAD compares: African/African-American, 76%; 33,465 homozygotes.

Submissions (2):

Blueprint Genetics
Classification: Benign. Last evaluated: 2024-11-26. Review status: criteria provided, single submitter. Criteria: ACMG Guidelines, 2015. Collection method: clinical testing. Allele origin: germline.

Unidad de Genómica Garrahan, Hospital de Pediatría Garrahan
Classification: Benign. Last evaluated: 2024-01-24. Review status: criteria provided, single submitter. Criteria: ACMG Guidelines, 2015. Collection method: clinical testing. Allele origin: germline. Affected: no. Observed: 38 variant alleles.
Comment: This variant is classified as Benign based on local population frequency. This variant was detected in 40% of patients studied by a panel of primary immunodeficiencies. Number of patients: 38. Only high quality variants are reported.